The following is an entry in ClinVar:

NM_000093.5(COL5A1):c.1304C>T (p.Pro435Leu)

Gene: COL5A1 (collagen type V alpha 1 chain; plus strand). Cytogenetic location: 9q34.3.
Variant type: single nucleotide variant.
Coding change: c.1304C>T on transcript NM_000093.5 (MANE Select); coding-DNA position 1304, C replaced by T.
Protein change: p.Pro435Leu; replaces proline 435 with leucine.
Molecular consequence: missense variant.
Genome position (GRCh38, 1-based): chr9:134,731,635, C>T. VCF-style: chr9-134731635-C-T. GRCh37 (hg19) VCF-style: chr9-137623481-C-T.
Other names: c.1304C>T, p.Pro435Leu (NM_001278074.1); short protein forms P435L.
Identifiers: ClinVar variation 519643 (VCV000519643.23), dbSNP rs772379819, ClinGen allele CA5318704.

ClinVar aggregate classification (germline): Conflicting classifications of pathogenicity. Review status: criteria provided, conflicting classifications (1 of 4 stars). 7 submissions from 7 submitters: Uncertain significance (4); Benign (1). 2 of the submissions do not count toward it. Last evaluated 2026-02-17.

Conditions:
Familial thoracic aortic aneurysm and aortic dissection (TAAD). Also called: Thoracic aortic aneurysms and dissections. Identifiers: Orphanet 91387, MedGen C4707243, MONDO:0019625.
Ehlers-Danlos syndrome, classic type, 1 (EDSCL1). Also called: Ehlers-Danlos Syndrome, Classic Type, COL5A1-Related; EDS I; Ehlers-Danlos syndrome, type 1; EHLERS-DANLOS SYNDROME, GRAVIS TYPE; EHLERS-DANLOS SYNDROME, SEVERE CLASSIC TYPE. Identifiers: MedGen C0268335, MONDO:0019567, OMIM 130000.
Ehlers-Danlos syndrome, classic type, 2 (EDSCL2). Also called: Ehlers-Danlos Syndrome, Classic Type, COL5A2-Related; Ehlers-Danlos syndrome, type 2; Ehlers-Danlos syndrome type 2 (formerly). Identifiers: Orphanet 287, Orphanet 90318, MedGen C0268336, MONDO:0019568, OMIM 130010.
Fibromuscular dysplasia, multifocal. Identifiers: MedGen C5543412, MONDO:0859151, OMIM 619329.

Allele frequency attached by ClinVar (database versions not stated): gnomAD exomes 0.00002 and 0.00004; gnomAD 0.00003; ExAC 0.00005; TOPMed 0.00003.
gnomAD v4.1: 30 of 1,613,808 alleles (0.0019%); highest among the groups gnomAD compares: Middle Eastern, 0.016%; no homozygotes.

Submissions (7):

Women's Health and Genetics/Laboratory Corporation of America, LabCorp
Classification: Uncertain significance. Last evaluated: 2026-02-17. Review status: criteria provided, single submitter. Criteria: LabCorp Variant Classification Summary - May 2015. Collection method: clinical testing. Allele origin: germline.
Comment: Variant summary: COL5A1 c.1304C>T (p.Pro435Leu) results in a non-conservative amino acid change in the encoded protein sequence. Algorithms developed to predict the effect of missense changes on protein structure and function all suggest that this variant is likely to be disruptive. The variant allele was found at a frequency of 3.6e-05 in 248640 control chromosomes. The available data on variant occurrences in the general population are insufficient to allow any conclusion about variant significance. c.1304C>T has been observed in an individual affected with Multifocal fibromuscular dysplasia, without strong evidence for causality (Richer_2020). This report does not provide unequivocal conclusions about association of the variant with Multifocal fibromuscular dysplasia or other COL5A1-related conditions. To our knowledge, no experimental evidence demonstrating an impact on protein function has been reported. The following publication has been ascertained in the context of this evaluation (PMID: 32938213). ClinVar contains an entry for this variant (Variation ID: 519643). Based on the evidence outlined above, the variant was classified as uncertain significance.

Labcorp Genetics (formerly Invitae), Labcorp
Classification: Benign for Ehlers-Danlos syndrome, classic type, 1. Last evaluated: 2025-11-03. Review status: criteria provided, single submitter. Criteria: Invitae Variant Classification Sherloc (09022015). Collection method: clinical testing. Allele origin: germline.

Johns Hopkins Genomics, Johns Hopkins University
Classification: Uncertain significance for Ehlers-Danlos syndrome, classic type, 1. Last evaluated: 2022-06-28. Review status: criteria provided, single submitter. Criteria: ACMG Guidelines, 2015. Collection method: clinical testing. Allele origin: germline.
Comment: This COL5A1 variant (rs772379819) is rare (<0.1%) in a large population dataset (gnomAD: 10/280002 total alleles; 0.004%; no homozygotes) and has been reported in ClinVar. Three bioinformatic tools queried predict that this substitution would be damaging, and the proline residue at this position is strongly evolutionarily conserved across the vertebrate species assessed. Bioinformatic analysis predicts that this variant would not affect normal exon 8 splicing, although this has not been confirmed experimentally to our knowledge. Due to insufficient evidence, we consider the clinical significance of c.1304C>T to be uncertain at this time.

Fulgent Genetics
Classification: Uncertain significance for Ehlers-Danlos syndrome, classic type, 1; Fibromuscular dysplasia, multifocal. Last evaluated: 2021-10-11. Review status: criteria provided, single submitter. Criteria: ACMG Guidelines, 2015. Collection method: clinical testing. Allele origin: unknown.

Ambry Genetics
Classification: Uncertain significance for Familial thoracic aortic aneurysm and aortic dissection. Last evaluated: 2016-12-06. Review status: criteria provided, single submitter. Criteria: Ambry Variant Classification Scheme 2023. Collection method: clinical testing. Allele origin: germline.
Comment: The p.P435L variant (also known as c.1304C>T), located in coding exon 8 of the COL5A1 gene, results from a C to T substitution at nucleotide position 1304. The proline at codon 435 is replaced by leucine, an amino acid with similar properties. This amino acid position is highly conserved in available vertebrate species. In addition, the in silico prediction for this alteration is inconclusive. Since supporting evidence is limited at this time, the clinical significance of this alteration remains unclear.

Clinical Genetics DNA and cytogenetics Diagnostics Lab, Erasmus MC, Erasmus Medical Center
Classification: Uncertain significance. Review status: no assertion criteria provided. Collection method: clinical testing. Allele origin: germline. Affected: yes. Study: VKGL Data-share Consensus. Not counted in ClinVar's aggregate classification.

Laboratory of Diagnostic Genome Analysis, Leiden University Medical Center (LUMC)
Classification: Uncertain significance. Review status: no assertion criteria provided. Collection method: clinical testing. Allele origin: germline. Affected: yes. Study: VKGL Data-share Consensus. Not counted in ClinVar's aggregate classification.

Literature cited by the submitters: PubMed 32938213 (cited by Women's Health and Genetics/Laboratory Corporation of America, LabCorp and Johns Hopkins Genomics, Johns Hopkins University); PubMed 15580559 (cited by Johns Hopkins Genomics, Johns Hopkins University); PubMed 22696272 (cited by Johns Hopkins Genomics, Johns Hopkins University).